The following is an entry in ClinVar:

ClinVar aggregate classification (germline): Uncertain significance (1 of 4 stars; one submission).

Allele frequency attached by ClinVar (database versions not stated): gnomAD exomes below 0.00001 and 0.00001; ExAC 0.00001; gnomAD 0.00001 and 0.00003; TOPMed 0.00004.
gnomAD v4.1: 7 of 1,614,074 alleles (0.00043%); highest among the groups gnomAD compares: African/African-American, 0.0093%; no homozygotes.

Submission:

Labcorp Genetics (formerly Invitae), Labcorp
Classification: Uncertain significance. Last evaluated: 2021-09-16. Review status: criteria provided, single submitter. Criteria: Invitae Variant Classification Sherloc (09022015). Collection method: clinical testing. Allele origin: germline.
Comment: This sequence change replaces leucine with methionine at codon 281 of the RUSC2 protein (p.Leu281Met). The leucine residue is highly conserved and there is a small physicochemical difference between leucine and methionine. This variant is present in population databases (rs755916660, ExAC 0.01%). This variant has not been reported in the literature in individuals affected with RUSC2-related conditions. Algorithms developed to predict the effect of missense changes on protein structure and function are either unavailable or do not agree on the potential impact of this missense change (SIFT: "Deleterious"; PolyPhen-2: "Probably Damaging"; Align-GVGD: "Class C0"). In summary, the available evidence is currently insufficient to determine the role of this variant in disease. Therefore, it has been classified as a Variant of Uncertain Significance.

NM_014806.5(RUSC2):c.841C>A (p.Leu281Met)

Gene: RUSC2 (RUN and SH3 domain containing 2; plus strand). Cytogenetic location: 9p13.3.
Variant type: single nucleotide variant.
Coding change: c.841C>A on transcript NM_014806.5 (MANE Select); coding-DNA position 841, C replaced by A.
Protein change: p.Leu281Met; replaces leucine 281 with methionine.
Molecular consequence: missense variant. On other transcripts: non-coding transcript variant (1), intron variant (1).
Genome position (GRCh38, 1-based): chr9:35,547,362, C>A. VCF-style: chr9-35547362-C-A. GRCh37 (hg19) VCF-style: chr9-35547359-C-A.
Other names: c.841C>A, p.Leu281Met (NM_001135999.2); c.-620-7698C>A (NM_001330740.2); short protein forms L281M.
Identifiers: ClinVar variation 1381537 (VCV001381537.3), dbSNP rs755916660, ClinGen allele CA5043542.